The following is an entry in ClinVar:

ClinVar aggregate classification (germline): Pathogenic (1 of 4 stars; one submission).

Allele frequency attached by ClinVar (database versions not stated): gnomAD exomes below 0.00001; TOPMed below 0.00001.

Submission:

Labcorp Genetics (formerly Invitae), Labcorp
Classification: Pathogenic. Last evaluated: 2023-08-18. Review status: criteria provided, single submitter. Criteria: Invitae Variant Classification Sherloc (09022015). Collection method: clinical testing. Allele origin: germline.
Comment: This variant is not present in population databases (gnomAD no frequency). For these reasons, this variant has been classified as Pathogenic. Algorithms developed to predict the effect of sequence changes on RNA splicing suggest that this variant may disrupt the consensus splice site. This variant has not been reported in the literature in individuals affected with TPO-related conditions. This sequence change creates a premature translational stop signal (p.Ser675Alafs*53) in the TPO gene. It is expected to result in an absent or disrupted protein product. Loss-of-function variants in TPO are known to be pathogenic (PMID: 11061528, 23236987, 25564141).

Literature cited by the submitters: PubMed 11061528; PubMed 23236987; PubMed 25564141.

NM_001206744.2(TPO):c.2023del (p.Ser675fs)

Genes: LALTOP (lung cancer associated lncRNA targeting TOP2A; minus strand), TPO (thyroid peroxidase; plus strand). Cytogenetic location: 2p25.3.
Variant type: Deletion.
Coding change: c.2023del on transcript NM_001206744.2 (MANE Select); coding-DNA position 2023, one base deleted (A; older notation c.2023delA).
Protein change: p.Ser675fs; shifts the reading frame from serine 675.
Molecular consequence: frameshift variant.
Genome position (GRCh38, 1-based): chr2:1,496,005, A deleted. VCF-style (leftmost placement, unchanged base first): chr2-1496004-CA-C. GRCh37 (hg19) VCF-style: chr2-1499776-CA-C.
Other names: c.2023del, p.Ser675fs (NM_000547.6, NM_175721.3); c.1852del, p.Ser618fs (NM_001206745.2, NM_175719.4); c.1504del, p.Ser502fs (NM_175722.3); short protein forms S502fs, S618fs, S675fs.
Identifiers: ClinVar variation 2753374 (VCV002753374.3), dbSNP rs1418310476, ClinGen allele CA758649160.
Genomic context (GRCh38, chr2:1,496,004, plus strand): 5'-GTTCTCCATGCACTGTGACCTTACTCACTGTCTCCTTCTCTGGAGGTTTTGGTGGGAGAA[CA>C]GCCACGTCTTCACGGATGCACAGAGGCGTGAGCTGGAGAAGCACTCCCTGTCTCGGGTCA-3'